The following is an entry in ClinVar:

ClinVar aggregate classification (germline): Uncertain significance. Review status: criteria provided, multiple submitters, no conflicts (2 of 4 stars). 2 submissions from 2 submitters: Uncertain significance (2). Last evaluated 2023-01-05.

Conditions:
Hereditary cancer-predisposing syndrome. Also called: Hereditary Cancer Syndrome; Hereditary neoplastic syndrome; Tumor predisposition; Neoplastic Syndromes, Hereditary. Identifiers: Orphanet 140162, MedGen C0027672, MeSH D009386, MONDO:0015356.
Multiple endocrine neoplasia, type 1 (MEN1). Also called: MEN I; WERMER SYNDROME; Endocrine adenomatosis multiple; MEN 1; MEA I. Identifiers: Orphanet 652, MedGen C0025267, MeSH D018761, MONDO:0007540, OMIM 131100.

Submissions (2):

Ambry Genetics
Classification: Uncertain significance for Hereditary cancer-predisposing syndrome. Last evaluated: 2023-01-05. Review status: criteria provided, single submitter. Criteria: Ambry Variant Classification Scheme 2023. Collection method: clinical testing. Allele origin: germline.
Comment: The p.M587I variant (also known as c.1761G>A), located in coding exon 9 of the MEN1 gene, results from a G to A substitution at nucleotide position 1761. The methionine at codon 587 is replaced by isoleucine, an amino acid with highly similar properties. This amino acid position is conserved. In addition, the in silico prediction for this alteration is inconclusive. Since supporting evidence is limited at this time, the clinical significance of this alteration remains unclear.

Labcorp Genetics (formerly Invitae), Labcorp
Classification: Uncertain significance for Multiple endocrine neoplasia, type 1. Last evaluated: 2020-10-21. Review status: criteria provided, single submitter. Criteria: Invitae Variant Classification Sherloc (09022015). Collection method: clinical testing. Allele origin: germline.
Comment: In summary, the available evidence is currently insufficient to determine the role of this variant in disease. Therefore, it has been classified as a Variant of Uncertain Significance. Algorithms developed to predict the effect of missense changes on protein structure and function (SIFT, PolyPhen-2, Align-GVGD) all suggest that this variant is likely to be tolerated, but these predictions have not been confirmed by published functional studies and their clinical significance is uncertain. This variant has not been reported in the literature in individuals with MEN1-related disease. This variant is not present in population databases (ExAC no frequency). This sequence change replaces methionine with isoleucine at codon 587 of the MEN1 protein (p.Met587Ile). The methionine residue is moderately conserved and there is a small physicochemical difference between methionine and isoleucine.

NM_001370259.2(MEN1):c.1761G>A (p.Met587Ile)

Gene: MEN1 (menin 1; minus strand). Cytogenetic location: 11q13.1.
Variant type: single nucleotide variant.
Coding change: c.1761G>A on transcript NM_001370259.2 (MANE Select); coding-DNA position 1761, G replaced by A.
Protein change: p.Met587Ile; replaces methionine 587 with isoleucine.
Molecular consequence: missense variant.
Genome position (GRCh38, 1-based): chr11:64,804,406, C>T on the plus strand (G>A on the coding strand, the complement: MEN1 is on the minus strand). VCF-style: chr11-64804406-C-T. GRCh37 (hg19) VCF-style: chr11-64571878-C-T.
Other names: c.1776G>A, p.Met592Ile (NM_000244.4, NM_130800.3, NM_130801.3 and 3 more transcripts); c.1887G>A, p.Met629Ile (NM_001370251.2); c.1761G>A, p.Met587Ile (NM_001370260.2, NM_001370261.2, NM_130799.3); c.1656G>A, p.Met552Ile (NM_001370262.2, NM_001370263.2); short protein forms M587I, M592I, M552I, M629I.
Identifiers: ClinVar variation 457313 (VCV000457313.10), dbSNP rs1555163058, ClinGen allele CA381177410.
Genomic context (GRCh38, chr11:64,804,406, plus strand): 5'-GCGCTGCCGCTTGAGGAAAGACAGAGTGTAGTCACTAGGGGTGGACACTTTCTGCTTCTT[C>T]ATCTGCACTTGCGACTGTGCCGTGAGTTGCAGCTTGATGGCGCTCGAGTTGATCTTGGTG-3'
Protein context (NP_001357188.2, residues 577-597): LQLTAQSQVQ[Met587Ile]KKQKVSTPSD